The following is an entry in ClinVar:

ClinVar aggregate classification (germline): Uncertain significance. Review status: criteria provided, single submitter (1 of 4 stars). 2 submissions from 2 submitters: Uncertain significance (1). 1 of the submissions does not count toward it. Last evaluated 2021-12-16.

Conditions:
Congenital myasthenic syndrome 8. Also called: Myasthenic syndrome, congenital, 8, with pre- and postsynaptic defects; MYASTHENIC SYNDROME, CONGENITAL, DUE TO AGRIN DEFICIENCY. Identifiers: Orphanet 590, MedGen C3808739, MONDO:0014052, OMIM 615120.
AGRN-related disorder. Also called: AGRN-related condition.

Allele frequency attached by ClinVar (database versions not stated): ExAC 0.00001; gnomAD 0.00001; gnomAD exomes 0.00003; ESP Exome Variant Server 0.00008.
gnomAD v4.1: 41 of 1,599,398 alleles (0.0026%); highest among the groups gnomAD compares: Non-Finnish European, 0.0033%; no homozygotes.

Submissions (2):

Labcorp Genetics (formerly Invitae), Labcorp
Classification: Uncertain significance for Congenital myasthenic syndrome 8. Last evaluated: 2021-12-16. Review status: criteria provided, single submitter. Criteria: Invitae Variant Classification Sherloc (09022015). Collection method: clinical testing. Allele origin: germline.
Comment: This sequence change falls in intron 8 of the AGRN gene. It does not directly change the encoded amino acid sequence of the AGRN protein. It affects a nucleotide within the consensus splice site. The frequency data for this variant in the population databases is considered unreliable, as metrics indicate poor data quality at this position in the gnomAD database. This variant has not been reported in the literature in individuals affected with AGRN-related conditions. Variants that disrupt the consensus splice site are a relatively common cause of aberrant splicing (PMID: 17576681, 9536098). Algorithms developed to predict the effect of sequence changes on RNA splicing suggest that this variant is not likely to affect RNA splicing. In summary, the available evidence is currently insufficient to determine the role of this variant in disease. Therefore, it has been classified as a Variant of Uncertain Significance.

PreventionGenetics, part of Exact Sciences
Classification: Likely benign for AGRN-related condition. Last evaluated: 2023-11-06. Review status: no assertion criteria provided. Collection method: clinical testing. Allele origin: germline. Not counted in ClinVar's aggregate classification.
Comment: This variant is classified as likely benign based on ACMG/AMP sequence variant interpretation guidelines (Richards et al. 2015 PMID: 25741868, with internal and published modifications).

Literature cited by the submitters: PubMed 17576681 (cited by Labcorp Genetics (formerly Invitae), Labcorp); PubMed 9536098 (cited by Labcorp Genetics (formerly Invitae), Labcorp).

NM_198576.4(AGRN):c.1603+3C>T

Gene: AGRN (agrin; plus strand). Cytogenetic location: 1p36.33.
Variant type: single nucleotide variant.
Coding change: c.1603+3C>T on transcript NM_198576.4 (MANE Select); 3 bases into the intron after coding-DNA position 1603, C replaced by T.
Molecular consequence: intron variant.
Genome position (GRCh38, 1-based): chr1:1,043,460, C>T. VCF-style: chr1-1043460-C-T. GRCh37 (hg19) VCF-style: chr1-978840-C-T.
Other names: c.1603+3C>T (NM_001305275.2, NM_198576.3); c.1288+3C>T (NM_001364727.2).
Identifiers: ClinVar variation 2137761 (VCV002137761.6), dbSNP rs371322324, ClinGen allele CA508239.